The following is an entry in ClinVar:

NM_000064.4(C3):c.1182G>C (p.Glu394Asp)

Gene: C3 (complement C3; minus strand). Cytogenetic location: 19p13.3.
Variant type: single nucleotide variant.
Coding change: c.1182G>C on transcript NM_000064.4 (MANE Select); coding-DNA position 1182, G replaced by C.
Protein change: p.Glu394Asp; replaces glutamic acid 394 with aspartic acid.
Molecular consequence: missense variant.
Genome position (GRCh38, 1-based): chr19:6,712,344, C>G on the plus strand (G>C on the coding strand, the complement: C3 is on the minus strand). VCF-style: chr19-6712344-C-G. GRCh37 (hg19) VCF-style: chr19-6712355-C-G.
Other names: short protein forms E394D.
Identifiers: ClinVar variation 1498974 (VCV001498974.8), dbSNP rs1316475380, ClinGen allele CA403641445.

ClinVar aggregate classification (germline): Uncertain significance (1 of 4 stars; one submission).

Allele frequency attached by ClinVar (database versions not stated): TOPMed below 0.00001.
gnomAD v4.1: 1 of 1,614,110 alleles (0.000062%); highest among the groups gnomAD compares: Non-Finnish European, 0.000085%; no homozygotes.

Submission:

Labcorp Genetics (formerly Invitae), Labcorp
Classification: Uncertain significance. Last evaluated: 2023-07-17. Review status: criteria provided, single submitter. Criteria: Invitae Variant Classification Sherloc (09022015). Collection method: clinical testing. Allele origin: germline.
Comment: An algorithm developed to predict the effect of missense changes on protein structure and function (PolyPhen-2) suggests that this variant is likely to be tolerated. In summary, the available evidence is currently insufficient to determine the role of this variant in disease. Therefore, it has been classified as a Variant of Uncertain Significance. ClinVar contains an entry for this variant (Variation ID: 1498974). This variant has not been reported in the literature in individuals affected with C3-related conditions. This variant is not present in population databases (gnomAD no frequency). This sequence change replaces glutamic acid, which is acidic and polar, with aspartic acid, which is acidic and polar, at codon 394 of the C3 protein (p.Glu394Asp).